The following is an entry in ClinVar:

NM_000179.3(MSH6):c.3022A>T (p.Thr1008Ser)

Gene: MSH6 (mutS homolog 6; plus strand). Cytogenetic location: 2p16.3.
Variant type: single nucleotide variant.
Coding change: c.3022A>T on transcript NM_000179.3 (MANE Select); coding-DNA position 3022, A replaced by T.
Protein change: p.Thr1008Ser; replaces threonine 1008 with serine.
Molecular consequence: missense variant.
Genome position (GRCh38, 1-based): chr2:47,801,005, A>T. VCF-style: chr2-47801005-A-T. GRCh37 (hg19) VCF-style: chr2-48028144-A-T.
Other names: c.2632A>T, p.Thr878Ser (NM_001281492.2); c.2116A>T, p.Thr706Ser (NM_001281493.2, NM_001281494.2, NM_001406811.1 and 6 more transcripts); c.3118A>T, p.Thr1040Ser (NM_001406795.1, NM_001406802.1); c.3022A>T, p.Thr1008Ser (NM_001406796.1, NM_001406798.1, NM_001406800.1 and 2 more transcripts); c.2725A>T, p.Thr909Ser (NM_001406797.1, NM_001406801.1, NM_001406805.1 and 10 more transcripts); c.2497A>T, p.Thr833Ser (NM_001406799.1, NM_001406806.1, NM_001406807.1); c.2944A>T, p.Thr982Ser (NM_001406804.1); c.3028A>T, p.Thr1010Ser (NM_001406813.1); and 2 more; short protein forms T1008S, T909S, T323S, T952S, T1040S, T706S, T878S, T982S.
Identifiers: ClinVar variation 1798931 (VCV001798931.5), dbSNP rs2530708199, ClinGen allele CA346756442.

ClinVar aggregate classification (germline): Uncertain significance. Review status: criteria provided, multiple submitters, no conflicts (2 of 4 stars). 2 submissions from 2 submitters: Uncertain significance (2). Last evaluated 2023-06-07.

Conditions:
Hereditary nonpolyposis colorectal neoplasms. Identifiers: MedGen C0009405, MeSH D003123.
Hereditary cancer-predisposing syndrome. Also called: Neoplastic Syndromes, Hereditary; Tumor predisposition; Hereditary Cancer Syndrome; Hereditary neoplastic syndrome. Identifiers: Orphanet 140162, MedGen C0027672, MeSH D009386, MONDO:0015356.

Submissions (2):

Labcorp Genetics (formerly Invitae), Labcorp
Classification: Uncertain significance for Hereditary nonpolyposis colorectal neoplasms. Last evaluated: 2023-06-07. Review status: criteria provided, single submitter. Criteria: Invitae Variant Classification Sherloc (09022015). Collection method: clinical testing. Allele origin: germline.
Comment: This sequence change replaces threonine, which is neutral and polar, with serine, which is neutral and polar, at codon 1008 of the MSH6 protein (p.Thr1008Ser). This variant is not present in population databases (gnomAD no frequency). This variant has not been reported in the literature in individuals affected with MSH6-related conditions. ClinVar contains an entry for this variant (Variation ID: 1798931). Advanced modeling of protein sequence and biophysical properties (such as structural, functional, and spatial information, amino acid conservation, physicochemical variation, residue mobility, and thermodynamic stability) performed at Invitae indicates that this missense variant is not expected to disrupt MSH6 protein function. In summary, the available evidence is currently insufficient to determine the role of this variant in disease. Therefore, it has been classified as a Variant of Uncertain Significance.

Ambry Genetics
Classification: Uncertain significance for Hereditary cancer-predisposing syndrome. Last evaluated: 2020-12-16. Review status: criteria provided, single submitter. Criteria: Ambry Variant Classification Scheme 2023. Collection method: clinical testing. Allele origin: germline.
Comment: The p.T1008S variant (also known as c.3022A>T), located in coding exon 4 of the MSH6 gene, results from an A to T substitution at nucleotide position 3022. The threonine at codon 1008 is replaced by serine, an amino acid with similar properties. This amino acid position is highly conserved in available vertebrate species. In addition, this alteration is predicted to be deleterious by in silico analysis. Since supporting evidence is limited at this time, the clinical significance of this alteration remains unclear.